The following is an entry in ClinVar:

NM_000384.3(APOB):c.3286A>G (p.Ile1096Val)

Gene: APOB (apolipoprotein B; minus strand). Cytogenetic location: 2p24.1.
Variant type: single nucleotide variant.
Coding change: c.3286A>G on transcript NM_000384.3 (MANE Select); coding-DNA position 3286, A replaced by G.
Protein change: p.Ile1096Val; replaces isoleucine 1096 with valine.
Molecular consequence: missense variant.
Genome position (GRCh38, 1-based): chr2:21,016,485, T>C on the plus strand (A>G on the coding strand, the complement: APOB is on the minus strand). VCF-style: chr2-21016485-T-C. GRCh37 (hg19) VCF-style: chr2-21239357-T-C.
Other names: short protein forms I1096V.
Identifiers: ClinVar variation 4613643 (VCV004613643.1).
Genomic context (GRCh38, chr2:21,016,485, plus strand): 5'-TCGGCCTTCTTTACCTTAGGTGGCCCATGAGGGCGACCTCAGTAATTTTCTTGTTCTGAA[T>C]GTCCAGGGTGAGTCTGTAAGACGTTTTGCCCTCAGTAGATTCATCATTAACTCTGAGGAT-3'
Protein context (NP_000375.3, residues 1086-1106): GKTSYRLTLD[Ile1096Val]QNKKITEVAL

ClinVar aggregate classification (germline): Uncertain significance (1 of 4 stars; one submission).

Conditions:
Cardiovascular phenotype. Identifiers: MedGen CN230736.

Submission:

Ambry Genetics
Classification: Uncertain significance for Cardiovascular phenotype. Last evaluated: 2025-09-18. Review status: criteria provided, single submitter. Criteria: Ambry Variant Classification Scheme 2023. Collection method: clinical testing. Allele origin: germline.
Comment: The p.I1096V variant (also known as c.3286A>G), located in coding exon 21 of the APOB gene, results from an A to G substitution at nucleotide position 3286. The isoleucine at codon 1096 is replaced by valine, an amino acid with highly similar properties. This amino acid position is conserved. In addition, this alteration is predicted to be tolerated by in silico analysis. Based on the available evidence, the clinical significance of this variant remains unclear.